The following is an entry in ClinVar:

ClinVar aggregate classification (germline): Uncertain significance (1 of 4 stars; one submission).

Conditions:
Cardiovascular phenotype. Identifiers: MedGen CN230736.

Submission:

Ambry Genetics
Classification: Uncertain significance for Cardiovascular phenotype. Last evaluated: 2024-08-07. Review status: criteria provided, single submitter. Criteria: Ambry Variant Classification Scheme 2023. Collection method: clinical testing. Allele origin: germline.
Comment: The p.L1398F variant (also known as c.4192C>T), located in coding exon 23 of the DSP gene, results from a C to T substitution at nucleotide position 4192. The leucine at codon 1398 is replaced by phenylalanine, an amino acid with highly similar properties. This amino acid position is conserved. In addition, the in silico prediction for this alteration is inconclusive. Based on the available evidence, the clinical significance of this variant remains unclear.

NM_004415.4(DSP):c.4192C>T (p.Leu1398Phe)

Gene: DSP (desmoplakin; plus strand). Cytogenetic location: 6p24.3.
Variant type: single nucleotide variant.
Coding change: c.4192C>T on transcript NM_004415.4 (MANE Select); coding-DNA position 4192, C replaced by T.
Protein change: p.Leu1398Phe; replaces leucine 1398 with phenylalanine.
Molecular consequence: missense variant. On other transcripts: intron variant (2).
Genome position (GRCh38, 1-based): chr6:7,580,382, C>T. VCF-style: chr6-7580382-C-T. GRCh37 (hg19) VCF-style: chr6-7580615-C-T.
Other names: c.4050+142C>T (NM_001319034.2); c.3582+610C>T (NM_001008844.3); short protein forms L1398F.
Identifiers: ClinVar variation 3505486 (VCV003505486.1).